The following is an entry in ClinVar:

NM_000390.4(CHM):c.634A>G (p.Lys212Glu)

Gene: CHM (CHM Rab escort protein; minus strand). Cytogenetic location: Xq21.2.
Variant type: single nucleotide variant.
Coding change: c.634A>G on transcript NM_000390.4 (MANE Select); coding-DNA position 634, A replaced by G.
Protein change: p.Lys212Glu; replaces lysine 212 with glutamic acid.
Molecular consequence: missense variant.
Genome position (GRCh38, 1-based): chrX:85,963,733, T>C on the plus strand (A>G on the coding strand, the complement: CHM is on the minus strand). VCF-style: chrX-85963733-T-C. GRCh37 (hg19) VCF-style: chrX-85218738-T-C.
Other names: c.190A>G, p.Lys64Glu (NM_001320959.1, NM_001362517.1, NM_001362518.2 and 1 more transcripts); short protein forms K212E, K64E.
Identifiers: ClinVar variation 3492331 (VCV003492331.3).

ClinVar aggregate classification (germline): Uncertain significance. Review status: criteria provided, multiple submitters, no conflicts (2 of 4 stars). 2 submissions from 2 submitters: Uncertain significance (2). Last evaluated 2024-08-12.

Conditions:
Inborn genetic diseases. Identifiers: MedGen C0950123, MeSH D030342.

gnomAD v4.1: 9 of 1,206,258 alleles (0.00075%); highest among the groups gnomAD compares: African/African-American, 0.012%; no homozygotes.

Submissions (2):

Labcorp Genetics (formerly Invitae), Labcorp
Classification: Uncertain significance. Last evaluated: 2024-08-12. Review status: criteria provided, single submitter. Criteria: Invitae Variant Classification Sherloc (09022015). Collection method: clinical testing. Allele origin: germline.
Comment: This sequence change replaces lysine, which is basic and polar, with glutamic acid, which is acidic and polar, at codon 212 of the CHM protein (p.Lys212Glu). This variant is present in population databases (rs781053852, gnomAD 0.02%). This variant has not been reported in the literature in individuals affected with CHM-related conditions. Advanced modeling of protein sequence and biophysical properties (such as structural, functional, and spatial information, amino acid conservation, physicochemical variation, residue mobility, and thermodynamic stability) performed at Invitae indicates that this missense variant is not expected to disrupt CHM protein function with a negative predictive value of 80%. In summary, the available evidence is currently insufficient to determine the role of this variant in disease. Therefore, it has been classified as a Variant of Uncertain Significance.

Ambry Genetics
Classification: Uncertain significance for Inborn genetic diseases. Last evaluated: 2024-07-14. Review status: criteria provided, single submitter. Criteria: Ambry Variant Classification Scheme 2023. Collection method: clinical testing. Allele origin: germline.